The following is an entry in ClinVar:

NM_017534.6(MYH2):c.4937T>C (p.Leu1646Pro)

Genes: MYH2 (myosin heavy chain 2; minus strand), MYHAS (myosin heavy chain gene cluster antisense RNA; plus strand), LOC126862500 (BRD4-independent group 4 enhancer GRCh37_chr17:10427829-10429028; plus strand). Cytogenetic location: 17p13.1.
Variant type: single nucleotide variant.
Coding change: c.4937T>C on transcript NM_017534.6 (MANE Select); coding-DNA position 4937, T replaced by C.
Protein change: p.Leu1646Pro; replaces leucine 1646 with proline.
Molecular consequence: missense variant.
Genome position (GRCh38, 1-based): chr17:10,524,791, A>G on the plus strand (T>C on the coding strand, the complement: MYH2 is on the minus strand). VCF-style: chr17-10524791-A-G. GRCh37 (hg19) VCF-style: chr17-10428108-A-G.
Other names: c.4937T>C, p.Leu1646Pro (NM_001100112.2); short protein forms L1646P.
Identifiers: ClinVar variation 1714107 (VCV001714107.6), dbSNP rs2508413340, ClinGen allele CA398120633.
Genomic context (GRCh38, chr17:10,524,791, plus strand): 5'-TGGGACCATCTCTTGGACATATTTACCTTGAGGATGCCTTGGGTGTTCCTGTAGTTCCTC[A>G]GGGCCTCAGCAGCCATGCGGTTGGCATGGTTCAGCTGGATTTCCATTTCATTGAGGTCTC-3'
Protein context (NP_060004.3, residues 1636-1656): NHANRMAAEA[Leu1646Pro]RNYRNTQGIL

ClinVar aggregate classification (germline): Uncertain significance (1 of 4 stars; one submission).

Conditions:
Myopathy, proximal, and ophthalmoplegia (CMYO6). Also called: INCLUSION BODY MYOPATHY 3, AUTOSOMAL DOMINANT; MYOPATHY WITH CONGENITAL JOINT CONTRACTURES, OPHTHALMOPLEGIA, AND RIMMED VACUOLES; CONGENITAL MYOPATHY 6 WITH OPHTHALMOPLEGIA. Identifiers: Orphanet 363677, Orphanet 79091, MedGen C1854106, MONDO:0011577, OMIM 605637.

Allele frequency attached by ClinVar (database versions not stated): gnomAD exomes 0.00001.
gnomAD v4.1: 5 of 1,614,152 alleles (0.00031%); highest among the groups gnomAD compares: Non-Finnish European, 0.00042%; no homozygotes.

Submission:

Labcorp Genetics (formerly Invitae), Labcorp
Classification: Uncertain significance for Myopathy, proximal, and ophthalmoplegia. Last evaluated: 2022-07-29. Review status: criteria provided, single submitter. Criteria: Invitae Variant Classification Sherloc (09022015). Collection method: clinical testing. Allele origin: germline.
Comment: In summary, the available evidence is currently insufficient to determine the role of this variant in disease. Therefore, it has been classified as a Variant of Uncertain Significance. Algorithms developed to predict the effect of missense changes on protein structure and function are either unavailable or do not agree on the potential impact of this missense change (SIFT: "Deleterious"; PolyPhen-2: "Benign"; Align-GVGD: "Class C0"). This variant has not been reported in the literature in individuals affected with MYH2-related conditions. This variant is not present in population databases (gnomAD no frequency). This sequence change replaces leucine, which is neutral and non-polar, with proline, which is neutral and non-polar, at codon 1646 of the MYH2 protein (p.Leu1646Pro).